The following is an entry in ClinVar:

ClinVar aggregate classification (germline): Pathogenic (1 of 4 stars; one submission).

Conditions:
Congenital hyperammonemia, type I. Also called: Carbamoyl phosphate synthetase I deficiency disease; Carbamoyl-phosphate synthase I deficiency; CPS I DEFICIENCY; Carbamoyl phosphate synthetase 1 deficiency; Hyperammonemia due to carbamoyl phosphate synthetase 1 deficiency; CPS 1 deficiency. Identifiers: Orphanet 147, MedGen C4082171, MONDO:0009376, OMIM 237300.

Submission:

Labcorp Genetics (formerly Invitae), Labcorp
Classification: Pathogenic for Congenital hyperammonemia, type I. Last evaluated: 2021-11-17. Review status: criteria provided, single submitter. Criteria: Invitae Variant Classification Sherloc (09022015). Collection method: clinical testing. Allele origin: germline.
Comment: This sequence change creates a premature translational stop signal (p.Leu504*) in the CPS1 gene. It is expected to result in an absent or disrupted protein product. Loss-of-function variants in CPS1 are known to be pathogenic (PMID: 21120950). This variant is not present in population databases (gnomAD no frequency). This variant has not been reported in the literature in individuals affected with CPS1-related conditions. Algorithms developed to predict the effect of sequence changes on RNA splicing suggest that this variant may create or strengthen a splice site. For these reasons, this variant has been classified as Pathogenic.

Literature cited by the submitters: PubMed 21120950.

NM_001875.5(CPS1):c.1509del (p.Gly503_Leu504insTer)

Gene: CPS1 (carbamoyl-phosphate synthase 1; plus strand). Cytogenetic location: 2q34.
Variant type: Deletion.
Coding change: c.1509del on transcript NM_001875.5 (MANE Select); coding-DNA position 1509, one base deleted (G; older notation c.1509delG).
Protein change: p.Gly503_Leu504insTer.
Molecular consequence: frameshift variant. On other transcripts: non-coding transcript variant (2).
Genome position (GRCh38, 1-based): chr2:210,599,521, G deleted; the last of 3 consecutive G bases (chr2:210,599,519-210,599,521); deleting any one gives the same sequence. VCF-style (leftmost placement, unchanged base first): chr2-210599518-TG-T. GRCh37 (hg19) VCF-style: chr2-211464242-TG-T.
Other names: c.1509del, p.Gly503_Leu504insTer (NM_001122633.3, NM_001369257.1); c.1542del, p.Gly514_Leu515insTer (NM_001369256.1).
Identifiers: ClinVar variation 1408700 (VCV001408700.6), dbSNP rs2106126478, ClinGen allele CA2573135081.
Genomic context (GRCh38, chr2:210,599,518, plus strand): 5'-CTACTTTCTTCCCATCACCCCTCAGTTTGTCACAGAGGTCATCAAGGCAGAACAGCCAGA[TG>T]GGTTAATTCTGGGCATGGGTGGCCAGACAGCTCTGAACTGTGGTGAGTTCTTATAAGCTT-3'